The following is an entry in ClinVar:

NM_015046.7(SETX):c.6859C>T (p.Arg2287Ter)

Gene: SETX (senataxin; minus strand). Cytogenetic location: 9q34.13.
Variant type: single nucleotide variant.
Coding change: c.6859C>T on transcript NM_015046.7 (MANE Select); coding-DNA position 6859, C replaced by T.
Protein change: p.Arg2287Ter; replaces arginine 2287 with a stop codon.
Molecular consequence: nonsense.
Genome position (GRCh38, 1-based): chr9:132,277,136, G>A on the plus strand (C>T on the coding strand, the complement: SETX is on the minus strand). VCF-style: chr9-132277136-G-A. GRCh37 (hg19) VCF-style: chr9-135152523-G-A.
Other names: c.6859C>T, p.Arg2287Ter (NM_001351527.2, NM_001351528.2); short protein forms R2287*.
Identifiers: ClinVar variation 1339062 (VCV001339062.2), dbSNP rs1339011741, ClinGen allele CA375330559.

ClinVar aggregate classification (germline): Likely pathogenic (1 of 4 stars; one submission).

Conditions:
Spinocerebellar ataxia, autosomal recessive, with axonal neuropathy 2 (SCAN2). Also called: Ataxia-ocular apraxia-2; Ataxia with Oculomotor Apraxia; Ataxia with Oculomotor Apraxia Type 2; ATAXIA-OCULOMOTOR APRAXIA 2. Identifiers: Orphanet 64753, MedGen C1853761, MONDO:0018996, OMIM 606002.

Allele frequency attached by ClinVar (database versions not stated): gnomAD exomes below 0.00001; TOPMed below 0.00001.
gnomAD v4.1: 6 of 1,611,476 alleles (0.00037%); highest among the groups gnomAD compares: Non-Finnish European, 0.00051%; no homozygotes.

Submission:

Neuberg Centre For Genomic Medicine, NCGM
Classification: Likely pathogenic for Spinocerebellar ataxia, autosomal recessive, with axonal neuropathy 2. Review status: criteria provided, single submitter. Criteria: ACMG Guidelines, 2015. Collection method: clinical testing. Allele origin: germline. Affected: yes.
Comment: The stop gained p.R2287* in SETX (NM_015046.7) has not been reported previously as a pathogenic variant nor as a benign variant, to our knowledge. The variant is present at 0.0004% in gnomAD Exomes but has been flagged as not representing true population frequency. The p.R2287* variant is novel (not in any individuals) in 1000 Genomes. This variant is predicted to cause loss of normal protein function through protein truncation. Loss of function mutations have been reported to be disease causing in SETX. For these reasons, this variant has been classified as Likely Pathogenic.